The following is an entry in ClinVar:

ClinVar aggregate classification (germline): Uncertain significance. Review status: criteria provided, multiple submitters, no conflicts (2 of 4 stars). 4 submissions from 4 submitters: Uncertain significance (4). Last evaluated 2024-07-08.

Conditions:
Aortic aneurysm, familial thoracic 7 (AAT7). Also called: AORTIC DISSECTION, FAMILIAL, WITH OR WITHOUT AORTIC ANEURYSM. Identifiers: MedGen C3151077, MONDO:0013418, OMIM 613780.
Megacystis-microcolon-intestinal hypoperistalsis syndrome 1. Identifiers: MedGen C5542316, MONDO:0100354, OMIM 249210.
Familial thoracic aortic aneurysm and aortic dissection (TAAD). Also called: Thoracic aortic aneurysms and dissections. Identifiers: Orphanet 91387, MedGen C4707243, MONDO:0019625.

Allele frequency attached by ClinVar (database versions not stated): gnomAD 0.00001; TOPMed 0.00001.
gnomAD v4.1: 5 of 1,613,790 alleles (0.00031%); highest among the groups gnomAD compares: Non-Finnish European, 0.00042%; no homozygotes.

Submissions (4):

Labcorp Genetics (formerly Invitae), Labcorp
Classification: Uncertain significance for Aortic aneurysm, familial thoracic 7. Last evaluated: 2024-07-08. Review status: criteria provided, single submitter. Criteria: Invitae Variant Classification Sherloc (09022015). Collection method: clinical testing. Allele origin: germline.
Comment: This sequence change replaces valine, which is neutral and non-polar, with phenylalanine, which is neutral and non-polar, at codon 800 of the MYLK protein (p.Val800Phe). This variant is not present in population databases (gnomAD no frequency). This variant has not been reported in the literature in individuals affected with MYLK-related conditions. ClinVar contains an entry for this variant (Variation ID: 452832). Advanced modeling of protein sequence and biophysical properties (such as structural, functional, and spatial information, amino acid conservation, physicochemical variation, residue mobility, and thermodynamic stability) performed at Invitae indicates that this missense variant is not expected to disrupt MYLK protein function with a negative predictive value of 80%. In summary, the available evidence is currently insufficient to determine the role of this variant in disease. Therefore, it has been classified as a Variant of Uncertain Significance.

Ambry Genetics
Classification: Uncertain significance for Familial thoracic aortic aneurysm and aortic dissection. Last evaluated: 2023-07-12. Review status: criteria provided, single submitter. Criteria: Ambry Variant Classification Scheme 2023. Collection method: clinical testing. Allele origin: germline.
Comment: The p.V800F variant (also known as c.2398G>T), located in coding exon 14 of the MYLK gene, results from a G to T substitution at nucleotide position 2398. The valine at codon 800 is replaced by phenylalanine, an amino acid with highly similar properties. This amino acid position is highly conserved in available vertebrate species. In addition, the in silico prediction for this alteration is inconclusive. Since supporting evidence is limited at this time, the clinical significance of this alteration remains unclear.

Fulgent Genetics
Classification: Uncertain significance for Megacystis-microcolon-intestinal hypoperistalsis syndrome 1; Aortic aneurysm, familial thoracic 7. Last evaluated: 2021-07-26. Review status: criteria provided, single submitter. Criteria: ACMG Guidelines, 2015. Collection method: clinical testing. Allele origin: unknown.

GeneDx
Classification: Uncertain significance. Last evaluated: 2019-07-24. Review status: criteria provided, single submitter. Criteria: GeneDx Variant Classification Process June 2021. Collection method: clinical testing. Allele origin: germline. Affected: yes.
Comment: Not observed in large population cohorts (Lek et al., 2016); In silico analysis, which includes protein predictors and evolutionary conservation, supports that this variant does not alter protein structure/function; Has not been previously published as pathogenic or benign to our knowledge

NM_053025.4(MYLK):c.2398G>T (p.Val800Phe)

Gene: MYLK (myosin light chain kinase; minus strand). Cytogenetic location: 3q21.1.
Variant type: single nucleotide variant.
Coding change: c.2398G>T on transcript NM_053025.4 (MANE Select); coding-DNA position 2398, G replaced by T.
Protein change: p.Val800Phe; replaces valine 800 with phenylalanine.
Molecular consequence: missense variant.
Genome position (GRCh38, 1-based): chr3:123,701,502, C>A on the plus strand (G>T on the coding strand, the complement: MYLK is on the minus strand). VCF-style: chr3-123701502-C-A. GRCh37 (hg19) VCF-style: chr3-123420349-C-A.
Other names: c.1870G>T, p.Val624Phe (NM_001321309.2); c.2191G>T, p.Val731Phe (NM_053026.4, NM_053028.4); c.2398G>T, p.Val800Phe (NM_053027.4); short protein forms V800F, V624F, V731F.
Identifiers: ClinVar variation 452832 (VCV000452832.17), dbSNP rs758697820, ClinGen allele CA354232754.